The following is an entry in ClinVar:

NM_001759.4(CCND2):c.391A>G (p.Ile131Val)

Gene: CCND2 (cyclin D2; plus strand). Cytogenetic location: 12p13.32.
Variant type: single nucleotide variant.
Coding change: c.391A>G on transcript NM_001759.4 (MANE Select); coding-DNA position 391, A replaced by G.
Protein change: p.Ile131Val; replaces isoleucine 131 with valine.
Molecular consequence: missense variant.
Genome position (GRCh38, 1-based): chr12:4,276,200, A>G. VCF-style: chr12-4276200-A-G. GRCh37 (hg19) VCF-style: chr12-4385366-A-G.
Other names: short protein forms I131V.
Identifiers: ClinVar variation 3257543 (VCV003257543.17).

ClinVar aggregate classification (germline): Uncertain significance (1 of 4 stars; one submission).

gnomAD v4.1: 2 of 1,614,050 alleles (0.00012%); highest among the groups gnomAD compares: Non-Finnish European, 0.00017%; no homozygotes.

Submission:

CeGaT Center for Human Genetics Tuebingen
Classification: Uncertain significance. Last evaluated: 2024-07-01. Review status: criteria provided, single submitter. Criteria: CeGaT Center For Human Genetics Tuebingen Variant Classification Criteria Version 2. Collection method: clinical testing. Allele origin: germline. Affected: yes. Observed: 1 variant allele.
Comment: CCND2: PM2, BP4